The following is an entry in ClinVar:

ClinVar aggregate classification (germline): Likely benign (1 of 4 stars; one submission).

Allele frequency attached by ClinVar (database versions not stated): gnomAD exomes below 0.00001; TOPMed 0.00003.
gnomAD v4.1: 4 of 1,610,702 alleles (0.00025%); highest among the groups gnomAD compares: East Asian, 0.0067%; no homozygotes.

Submission:

CeGaT Center for Human Genetics Tuebingen
Classification: Likely benign. Last evaluated: 2022-10-01. Review status: criteria provided, single submitter. Criteria: CeGaT Center For Human Genetics Tuebingen Variant Classification Criteria Version 2. Collection method: clinical testing. Allele origin: germline. Affected: yes. Observed: 1 variant allele.
Comment: MFHAS1: PM2:Supporting, BP4, BP7

NM_004225.3(MFHAS1):c.1146C>T (p.Tyr382=)

Gene: MFHAS1 (multifunctional ROCO family signaling regulator 1). Cytogenetic location: 8p23.1.
Variant type: single nucleotide variant.
Coding change: c.1146C>T on transcript NM_004225.3 (MANE Select); coding-DNA position 1146, C replaced by T.
Protein change: p.Tyr382=; no amino-acid change (tyrosine 382 retained).
Molecular consequence: synonymous variant.
Genome position (GRCh38, 1-based): chr8:8,891,913, G>A on the plus strand (C>T on the coding strand, the complement: MFHAS1 is on the minus strand). VCF-style: chr8-8891913-G-A. GRCh37 (hg19) VCF-style: chr8-8749423-G-A.
Identifiers: ClinVar variation 2658377 (VCV002658377.24), dbSNP rs1269688350, ClinGen allele CA459613499.
Genomic context (GRCh38, chr8:8,891,913, plus strand): 5'-GGAATGAGCCAGTTCCTTCTGGTAGGCTGCGATGTAGGGGATCCCCTTCATGCAGACCTC[G>A]TAGGGGGGCTGGATCAGTGGGTTGTCTTTGATCTTCCACAAACCCACCCGGGAGAGCTGG-3'
Protein context (NP_004216.2, residues 372-392): IKDNPLIQPP[Tyr382=]EVCMKGIPYI